The following is an entry in ClinVar:

NM_000214.3(JAG1):c.2579G>A (p.Gly860Glu)

Gene: JAG1 (jagged canonical Notch ligand 1; minus strand). Cytogenetic location: 20p12.2.
Variant type: single nucleotide variant.
Coding change: c.2579G>A on transcript NM_000214.3 (MANE Select); coding-DNA position 2579, G replaced by A.
Protein change: p.Gly860Glu; replaces glycine 860 with glutamic acid.
Molecular consequence: missense variant.
Genome position (GRCh38, 1-based): chr20:10,641,886, C>T on the plus strand (G>A on the coding strand, the complement: JAG1 is on the minus strand). VCF-style: chr20-10641886-C-T. GRCh37 (hg19) VCF-style: chr20-10622534-C-T.
Other names: short protein forms G860E.
Identifiers: ClinVar variation 975910 (VCV000975910.7), dbSNP rs762121866, ClinGen allele CA9764446.

ClinVar aggregate classification (germline): Conflicting classifications of pathogenicity. Review status: criteria provided, conflicting classifications (1 of 4 stars). 3 submissions from 3 submitters: Uncertain significance (2); Likely benign (1). Last evaluated 2025-03-07.

Conditions:
Alagille syndrome due to a JAG1 point mutation. Also called: HEPATIC DUCTULAR HYPOPLASIA, SYNDROMATIC; Alagille Syndrome 1; JAG1-Related Alagille Syndrome. Identifiers: Orphanet 261619, Orphanet 52, MedGen C1956125, MONDO:0016862, OMIM 118450.
Cardiovascular phenotype. Identifiers: MedGen CN230736.

Allele frequency attached by ClinVar (database versions not stated): TOPMed 0.00001.
gnomAD v4.1: 7 of 1,608,258 alleles (0.00044%); highest among the groups gnomAD compares: Non-Finnish European, 0.0006%; no homozygotes.

Submissions (3):

Labcorp Genetics (formerly Invitae), Labcorp
Classification: Likely benign for Alagille syndrome due to a JAG1 point mutation. Last evaluated: 2025-03-07. Review status: criteria provided, single submitter. Criteria: Invitae Variant Classification Sherloc (09022015). Collection method: clinical testing. Allele origin: germline.

Ambry Genetics
Classification: Uncertain significance for Cardiovascular phenotype. Last evaluated: 2025-02-15. Review status: criteria provided, single submitter. Criteria: Ambry Variant Classification Scheme 2023. Collection method: clinical testing. Allele origin: germline.
Comment: The p.G860E variant (also known as c.2579G>A), located in coding exon 22 of the JAG1 gene, results from a G to A substitution at nucleotide position 2579. The glycine at codon 860 is replaced by glutamic acid, an amino acid with similar properties. This amino acid position is conserved. In addition, the in silico prediction for this alteration is inconclusive. Based on the available evidence, the clinical significance of this variant remains unclear.

Institute of Human Genetics, University of Leipzig Medical Center
Classification: Uncertain significance for Alagille syndrome due to a JAG1 point mutation. Last evaluated: 2018-01-16. Review status: criteria provided, single submitter. Criteria: ACMG Guidelines, 2015. Collection method: clinical testing. Allele origin: germline. Affected: yes. Observed: 1 variant allele.